The following is an entry in ClinVar:

ClinVar aggregate classification (germline): Benign. Review status: criteria provided, multiple submitters, no conflicts (2 of 4 stars). 2 submissions from 2 submitters: Benign (2). Last evaluated 2019-10-15.

Allele frequency attached by ClinVar (database versions not stated): gnomAD exomes 0.00363; ExAC 0.00086; gnomAD 0.00556.

Submissions (2):

Women's Health and Genetics/Laboratory Corporation of America, LabCorp
Classification: Benign. Last evaluated: 2019-10-15. Review status: criteria provided, single submitter. Criteria: LabCorp Variant Classification Summary - May 2015. Collection method: clinical testing. Allele origin: germline.
Comment: Variant summary: CACNB2 c.*16_*17insC is located in the untranslated mRNA region downstream of the termination codon. The variant allele was found at a frequency of 0.0036 in 139578 control chromosomes, predominantly at a frequency of 0.0051 within the Non-Finnish European subpopulation in the gnomAD database, including 25 homozygotes. The observed variant frequency within Non-Finnish European control individuals in the gnomAD database (exomes only) is approximately 510 fold of the estimated maximal expected allele frequency for a pathogenic variant in CACNB2 causing Arrhythmia phenotype (1e-05), strongly suggesting that the variant is a benign polymorphism found primarily in populations of Non-Finnish European origin. To our knowledge, no occurrence of c.*16_*17insC in individuals affected with Arrhythmia and no experimental evidence demonstrating its impact on protein function have been reported. For this variant, co-occurrence with another pathogenic variant has been found in our internal database (PKP2 c.2197_2202delinsG, p.His733fsX8), providing supporting evidence for a benign role. One ClinVar submitter (evaluation after 2014) cite this variant as uncertain significance. Based on the evidence outlined above, the variant was classified as benign.

GeneDx
Classification: Benign. Last evaluated: 2015-06-18. Review status: criteria provided, single submitter. Criteria: GeneDx Variant Classification Process June 2021. Collection method: clinical testing. Allele origin: germline. Affected: yes.

NM_201596.3(CACNB2):c.*16_*17insC

Gene: CACNB2 (calcium voltage-gated channel auxiliary subunit beta 2; plus strand). Cytogenetic location: 10p12.31.
Variant type: Insertion.
Coding change: c.*16_*17insC on transcript NM_201596.3 (MANE Select); 16 bases downstream of the stop codon through 17 bases downstream of the stop codon, C inserted.
Molecular consequence: 3 prime UTR variant.
Genome position: GRCh38 VCF-style: chr10-18539740-G-GC. GRCh37 (hg19) VCF-style: chr10-18828669-G-GC.
Other names: c.*16_*17insC (NM_000724.4, NM_001167945.2, NM_001330060.2 and 6 more transcripts).
Identifiers: ClinVar variation 299571 (VCV000299571.8), dbSNP rs753335762, ClinGen allele CA5430232.
Genomic context (GRCh38, chr10:18,539,740, plus strand): 5'-AATGAGGCTGGGGAGTGGAACAGGGATGTTTACATCCGCCAATGAGTTTTGCCCGTTTGT[G>GC]TTTTTTTTTTTTTTTTTTTGAAGTCTTGTATAACTAACAGCATCCCCAAAACAAAGTCTT-3'